The following is an entry in ClinVar:

NM_002755.4(MAP2K1):c.1153A>G (p.Ser385Gly)

Genes: MAP2K1 (mitogen-activated protein kinase kinase 1; plus strand), SNAPC5 (small nuclear RNA activating complex polypeptide 5; minus strand). Cytogenetic location: 15q22.31.
Variant type: single nucleotide variant.
Coding change: c.1153A>G on transcript NM_002755.4 (MANE Select); coding-DNA position 1153, A replaced by G.
Protein change: p.Ser385Gly; replaces serine 385 with glycine.
Molecular consequence: missense variant. On other transcripts: 3 prime UTR variant (1), non-coding transcript variant (1).
Genome position (GRCh38, 1-based): chr15:66,490,586, A>G. VCF-style: chr15-66490586-A-G. GRCh37 (hg19) VCF-style: chr15-66782924-A-G.
Other names: c.*153T>C (NM_006049.4); c.1009A>G, p.Ser337Gly (NM_001411065.1); short protein forms S337G, S385G.
Identifiers: ClinVar variation 2888506 (VCV002888506.3), dbSNP rs1199306921, ClinGen allele CA392939137.

ClinVar aggregate classification (germline): Uncertain significance (1 of 4 stars; one submission).

Conditions:
RASopathy. Also called: Noonan spectrum disorder; rasopathies. Identifiers: Orphanet 536391, MedGen C5555857, MONDO:0021060.

Allele frequency attached by ClinVar (database versions not stated): gnomAD exomes below 0.00001.
gnomAD v4.1: 1 of 1,614,180 alleles (0.000062%); highest among the groups gnomAD compares: Non-Finnish European, 0.000085%; no homozygotes.

Submission:

Labcorp Genetics (formerly Invitae), Labcorp
Classification: Uncertain significance for RASopathy. Last evaluated: 2025-04-17. Review status: criteria provided, single submitter. Criteria: Invitae Variant Classification Sherloc (09022015). Collection method: clinical testing. Allele origin: germline.
Comment: This sequence change replaces serine, which is neutral and polar, with glycine, which is neutral and non-polar, at codon 385 of the MAP2K1 protein (p.Ser385Gly). This variant is not present in population databases (gnomAD no frequency). This variant has not been reported in the literature in individuals affected with MAP2K1-related conditions. ClinVar contains an entry for this variant (Variation ID: 2888506). Invitae Evidence Modeling of protein sequence and biophysical properties (such as structural, functional, and spatial information, amino acid conservation, physicochemical variation, residue mobility, and thermodynamic stability) has been performed for this missense variant. However, the output from this modeling did not meet the statistical confidence thresholds required to predict the impact of this variant on MAP2K1 protein function. In summary, the available evidence is currently insufficient to determine the role of this variant in disease. Therefore, it has been classified as a Variant of Uncertain Significance.